The following is an entry in ClinVar:

ClinVar aggregate classification (germline): Benign/Likely benign. Review status: criteria provided, multiple submitters, no conflicts (2 of 4 stars). 4 submissions from 4 submitters: Benign (2); Likely benign (1). 1 of the submissions does not count toward it. Last evaluated 2026-03-30.

Conditions:
TNFRSF4-related disorder. Also called: TNFRSF4-related condition.
Combined immunodeficiency due to OX40 deficiency. Also called: OX40 DEFICIENCY; Immunodeficiency 16. Identifiers: Orphanet 431149, MedGen C3810053, MONDO:0014268, OMIM 615593.

Allele frequency attached by ClinVar (database versions not stated): 1000 Genomes Project 30x 0.00453; gnomAD 0.00478 and 0.00526; TOPMed 0.00500; 1000 Genomes Project 0.00519; ESP Exome Variant Server 0.00526; gnomAD exomes 0.00854; ExAC 0.01513.
gnomAD v4.1: 12,255 of 1,585,918 alleles (0.77%); highest among the groups gnomAD compares: South Asian, 2.4%; 100 homozygotes.

Submissions (4):

Women's Health and Genetics/Laboratory Corporation of America, LabCorp
Classification: Likely benign. Last evaluated: 2026-03-30. Review status: criteria provided, single submitter. Criteria: LabCorp Variant Classification Summary - May 2015. Collection method: clinical testing. Allele origin: germline.

Labcorp Genetics (formerly Invitae), Labcorp
Classification: Benign for Combined immunodeficiency due to OX40 deficiency. Last evaluated: 2026-01-26. Review status: criteria provided, single submitter. Criteria: Invitae Variant Classification Sherloc (09022015). Collection method: clinical testing. Allele origin: germline.

Breakthrough Genomics
Classification: Benign. Review status: criteria provided, single submitter. Criteria: ACMG Guidelines, 2015. Collection method: not provided. Allele origin: germline. Inheritance: Autosomal recessive inheritance. Affected: yes.

PreventionGenetics, part of Exact Sciences
Classification: Benign for TNFRSF4-related condition. Last evaluated: 2019-10-02. Review status: no assertion criteria provided. Collection method: clinical testing. Allele origin: germline. Not counted in ClinVar's aggregate classification.
Comment: This variant is classified as benign based on ACMG/AMP sequence variant interpretation guidelines (Richards et al. 2015 PMID: 25741868, with internal and published modifications).

NM_003327.4(TNFRSF4):c.28C>T (p.Arg10Cys)

Gene: TNFRSF4 (TNF receptor superfamily member 4; minus strand). Cytogenetic location: 1p36.33.
Variant type: single nucleotide variant.
Coding change: c.28C>T on transcript NM_003327.4 (MANE Select); coding-DNA position 28, C replaced by T.
Protein change: p.Arg10Cys; replaces arginine 10 with cysteine.
Molecular consequence: missense variant.
Genome position (GRCh38, 1-based): chr1:1,214,100, G>A on the plus strand (C>T on the coding strand, the complement: TNFRSF4 is on the minus strand). VCF-style: chr1-1214100-G-A. GRCh37 (hg19) VCF-style: chr1-1149480-G-A.
Other names: c.28C>T, p.Arg10Cys (LRG_1319t1); short protein forms R10C.
Identifiers: ClinVar variation 474794 (VCV000474794.15), dbSNP rs35304565, ClinGen allele CA512709.